The following is an entry in ClinVar:

ClinVar aggregate classification (germline): Uncertain significance (1 of 4 stars; one submission).

Submission:

Labcorp Genetics (formerly Invitae), Labcorp
Classification: Uncertain significance. Last evaluated: 2023-06-05. Review status: criteria provided, single submitter. Criteria: Invitae Variant Classification Sherloc (09022015). Collection method: clinical testing. Allele origin: germline.
Comment: This sequence change affects codon 707 of the ATP1A1 mRNA. It is a 'silent' change, meaning that it does not change the encoded amino acid sequence of the ATP1A1 protein. This variant is not present in population databases (gnomAD no frequency). This variant has not been reported in the literature in individuals affected with ATP1A1-related conditions. Algorithms developed to predict the effect of sequence changes on RNA splicing suggest that this variant may create or strengthen a splice site. In summary, the available evidence is currently insufficient to determine the role of this variant in disease. Therefore, it has been classified as a Variant of Uncertain Significance.

NM_000701.8(ATP1A1):c.2121A>G (p.Arg707=)

Genes: ATP1A1 (ATPase Na+/K+ transporting subunit alpha 1; plus strand), ATP1A1-AS1 (ATP1A1 antisense RNA 1; minus strand). Cytogenetic location: 1p13.1.
Variant type: single nucleotide variant.
Coding change: c.2121A>G on transcript NM_000701.8 (MANE Select); coding-DNA position 2121, A replaced by G.
Protein change: p.Arg707=; no amino-acid change (arginine 707 retained).
Molecular consequence: synonymous variant.
Genome position (GRCh38, 1-based): chr1:116,398,035, A>G. VCF-style: chr1-116398035-A-G. GRCh37 (hg19) VCF-style: chr1-116940657-A-G.
Other names: c.2121A>G, p.Arg707= (NM_001160233.2); c.2028A>G, p.Arg676= (NM_001160234.2).
Identifiers: ClinVar variation 2741605 (VCV002741605.3), dbSNP rs2525876482, ClinGen allele CA419903990.
Genomic context (GRCh38, chr1:116,398,035, plus strand): 5'-GATAGTGTTTGCCAGGACCTCCCCTCAGCAGAAGCTCATCATTGTGGAAGGCTGCCAAAG[A>G]CAGGTCAGCCAGCACAAGGATCAGGCTGCTTTGGGCACTATTGGCTTTAGGGATTGGAGT-3'
Protein context (NP_000692.2, residues 697-717): QKLIIVEGCQ[Arg707=]QGAIVAVTGD